The following is an entry in ClinVar:

ClinVar aggregate classification (germline): Benign/Likely benign. Review status: criteria provided, multiple submitters, no conflicts (2 of 4 stars). 7 submissions from 7 submitters: Benign (1); Likely benign (6). Last evaluated 2025-12-15.

Conditions:
Hereditary cancer-predisposing syndrome. Also called: Neoplastic Syndromes, Hereditary; Tumor predisposition; Hereditary Cancer Syndrome; Hereditary neoplastic syndrome. Identifiers: Orphanet 140162, MedGen C0027672, MeSH D009386, MONDO:0015356.
Familial cancer of breast. Also called: BREAST CANCER, FAMILIAL; hereditary breast carcinoma; Hereditary breast cancer. Identifiers: Orphanet 227535, MedGen C0346153, MONDO:0016419, OMIM 114480. Disease mechanism: loss of function.

Allele frequency attached by ClinVar (database versions not stated): ExAC 0.00002; gnomAD 0.00003 and 0.00004; gnomAD exomes 0.00003; TOPMed 0.00003; ESP Exome Variant Server 0.00008.

Submissions (7):

Labcorp Genetics (formerly Invitae), Labcorp
Classification: Likely benign for Familial cancer of breast. Last evaluated: 2025-12-15. Review status: criteria provided, single submitter. Criteria: Invitae Variant Classification Sherloc (09022015). Collection method: clinical testing. Allele origin: germline.

Center for Genomic Medicine, Rigshospitalet, Copenhagen University Hospital
Classification: Likely benign. Last evaluated: 2025-03-04. Review status: criteria provided, single submitter. Criteria: ACMG Guidelines, 2015. Collection method: clinical testing. Allele origin: germline.

Blueprint Genetics
Classification: Likely benign. Last evaluated: 2024-08-19. Review status: criteria provided, single submitter. Criteria: ACMG Guidelines, 2015. Collection method: clinical testing. Allele origin: germline.

KCCC/NGS Laboratory, Kuwait Cancer Control Center
Classification: Likely benign for Familial cancer of breast. Last evaluated: 2023-07-07. Review status: criteria provided, single submitter. Criteria: ACMG Guidelines, 2015. Collection method: clinical testing. Allele origin: germline. Affected: yes.

Centre for Mendelian Genomics, University Medical Centre Ljubljana
Classification: Benign for Familial cancer of breast. Last evaluated: 2019-03-20. Review status: criteria provided, single submitter. Criteria: ACMG Guidelines, 2015. Collection method: clinical testing. Allele origin: unknown. Affected: yes.
Comment: This variant was classified as: Benign. The following ACMG criteria were applied in classifying this variant: BP6.

GeneDx
Classification: Likely benign. Last evaluated: 2017-05-26. Review status: criteria provided, single submitter. Criteria: GeneDx Variant Classification (06012015). Collection method: clinical testing. Allele origin: germline. Affected: yes.
Comment: This variant is considered likely benign or benign based on one or more of the following criteria: it is a conservative change, it occurs at a poorly conserved position in the protein, it is predicted to be benign by multiple in silico algorithms, and/or has population frequency not consistent with disease.

Color Diagnostics, LLC DBA Color Health
Classification: Likely benign for Hereditary cancer-predisposing syndrome. Last evaluated: 2015-10-19. Review status: criteria provided, single submitter. Criteria: ACMG Guidelines, 2015. Collection method: clinical testing. Allele origin: germline.

NM_000465.4(BARD1):c.1678-18C>G

Gene: BARD1 (BRCA1 associated RING domain 1; minus strand). Cytogenetic location: 2q35.
Variant type: single nucleotide variant.
Coding change: c.1678-18C>G on transcript NM_000465.4 (MANE Select); 18 bases into the intron before coding-DNA position 1678, C replaced by G.
Molecular consequence: intron variant.
Genome position (GRCh38, 1-based): chr2:214,745,872, G>C on the plus strand (C>G on the coding strand, the complement: BARD1 is on the minus strand). VCF-style: chr2-214745872-G-C. GRCh37 (hg19) VCF-style: chr2-215610596-G-C.
Other names: c.1678-18C>G (LRG_297t1); c.268-18C>G (NM_001282548.2); c.1621-18C>G (NM_001282543.2); c.325-18C>G (NM_001282545.2); c.365-15364C>G (NM_001282549.2).
Identifiers: ClinVar variation 381132 (VCV000381132.18), dbSNP rs376045331, ClinGen allele CA2090188.